The following is an entry in ClinVar:

NM_004329.3(BMPR1A):c.228C>T (p.Cys76=)

Gene: BMPR1A (bone morphogenetic protein receptor type 1A; plus strand). Cytogenetic location: 10q23.2.
Variant type: single nucleotide variant.
Coding change: c.228C>T on transcript NM_004329.3 (MANE Select); coding-DNA position 228, C replaced by T.
Protein change: p.Cys76=; no amino-acid change (cysteine 76 retained).
Molecular consequence: synonymous variant.
Genome position (GRCh38, 1-based): chr10:86,890,222, C>T. VCF-style: chr10-86890222-C-T. GRCh37 (hg19) VCF-style: chr10-88649979-C-T.
Identifiers: ClinVar variation 460492 (VCV000460492.10), dbSNP rs1554888145, ClinGen allele CA470304618.

ClinVar aggregate classification (germline): Uncertain significance (1 of 4 stars; one submission).

Conditions:
Juvenile polyposis syndrome (JPS). Identifiers: Orphanet 2929, MedGen C0345893, MONDO:0017380, OMIM 174900.

Allele frequency attached by ClinVar (database versions not stated): gnomAD exomes below 0.00001.
gnomAD v4.1: 2 of 1,613,966 alleles (0.00012%); highest among the groups gnomAD compares: Non-Finnish European, 0.00017%; no homozygotes.

Submission:

Labcorp Genetics (formerly Invitae), Labcorp
Classification: Uncertain significance for Juvenile polyposis syndrome. Last evaluated: 2024-03-07. Review status: criteria provided, single submitter. Criteria: Invitae Variant Classification Sherloc (09022015). Collection method: clinical testing. Allele origin: germline.
Comment: This sequence change affects codon 76 of the BMPR1A mRNA. It is a 'silent' change, meaning that it does not change the encoded amino acid sequence of the BMPR1A protein. This variant is not present in population databases (gnomAD no frequency). This variant has not been reported in the literature in individuals affected with BMPR1A-related conditions. ClinVar contains an entry for this variant (Variation ID: 460492). Studies have shown that this variant is associated with inconclusive levels of altered splicing (Invitae). In summary, the available evidence is currently insufficient to determine the role of this variant in disease. Therefore, it has been classified as a Variant of Uncertain Significance.